The following is an entry in ClinVar:

NM_007294.4(BRCA1):c.5399T>G (p.Leu1800Arg)

Gene: BRCA1 (BRCA1 DNA repair associated; minus strand). Cytogenetic location: 17q21.31.
Variant type: single nucleotide variant.
Coding change: c.5399T>G on transcript NM_007294.4 (MANE Select); coding-DNA position 5399, T replaced by G.
Protein change: p.Leu1800Arg; replaces leucine 1800 with arginine.
Molecular consequence: missense variant. On other transcripts: non-coding transcript variant (1), intron variant (1).
Genome position (GRCh38, 1-based): chr17:43,049,128, A>C on the plus strand (T>G on the coding strand, the complement: BRCA1 is on the minus strand). VCF-style: chr17-43049128-A-C. GRCh37 (hg19) VCF-style: chr17-41201145-A-C.
Other names: c.2084T>G, p.Leu695Arg (NM_001408399.1, NM_001408400.1, NM_001408401.1 and 7 more transcripts); c.2081T>G, p.Leu694Arg (NM_001408406.1, NM_001408407.1, NM_001408408.1); c.2078T>G, p.Leu693Arg (NM_001408409.1); c.1973T>G, p.Leu658Arg (NM_001408420.1, NM_001408418.1, NM_001408419.1); c.1970T>G, p.Leu657Arg (NM_001408421.1, NM_001408422.1, NM_001408423.1 and 1 more transcripts); c.1967T>G, p.Leu656Arg (NM_001408425.1, NM_001408426.1, NM_001408427.1 and 4 more transcripts); c.5186T>G, p.Leu1729Arg (NM_001407571.1, NM_001407894.1, NM_001407895.1 and 12 more transcripts); c.5465T>G, p.Leu1822Arg (NM_001407581.1, NM_001407582.1); and 73 more; short protein forms L696R, L1753R, L1821R, L1800R, L608R, L615R, L617R, L629R.
Identifiers: ClinVar variation 844181 (VCV000844181.16), dbSNP rs2051074040, ClinGen allele CA10590676.
Genomic context (GRCh38, chr17:43,049,128, plus strand): 5'-TCACAGGAGAGAATATTGTGTCCTCCCTCTCTGACAGGGCACCCAATACTTACTGTGCCA[A>C]GGGTGAATGATGAAAGCTCCTTCACCACAGAAGCACCACACAGCTGTACCATCCATTCCA-3'
Protein context (NP_009225.1, residues 1790-1810): SVVKELSSFT[Leu1800Arg]GTGVHPIVVV

ClinVar aggregate classification (germline): Uncertain significance (1 of 4 stars; one submission).

Conditions:
Hereditary breast ovarian cancer syndrome. Also called: Hereditary breast and/or ovarian cancer syndrome; BRCA1- and BRCA2-Associated Hereditary Breast and Ovarian Cancer; Hereditary breast and ovarian cancer syndrome; Hereditary breast and ovarian cancer; Hereditary breast and ovarian cancer syndrome (HBOC); Breast and ovarian cancer. Identifiers: Orphanet 145, MedGen C0677776, MeSH D061325, MONDO:0003582. Disease mechanism: loss of function.

Submissions (2):

Labcorp Genetics (formerly Invitae), Labcorp
Classification: Uncertain significance for Hereditary breast ovarian cancer syndrome. Last evaluated: 2019-12-31. Review status: criteria provided, single submitter. Criteria: Invitae Variant Classification Sherloc (09022015). Collection method: clinical testing. Allele origin: germline.
Comment: This variant has been reported not to substantially affect BRCA1 protein function (PMID: 30209399). In summary, the available evidence is currently insufficient to determine the role of this variant in disease. Therefore, it has been classified as a Variant of Uncertain Significance. This variant has not been reported in the literature in individuals with BRCA1-related conditions. This variant is not present in population databases (ExAC no frequency). This sequence change replaces leucine with arginine at codon 1800 of the BRCA1 protein (p.Leu1800Arg). The leucine residue is weakly conserved and there is a moderate physicochemical difference between leucine and arginine.

Brotman Baty Institute, University of Washington
No classification provided (evidence only). Condition: Breast-ovarian cancer, familial 1. Review status: no classification provided. Collection method: in vitro. Allele origin: not applicable. Functional consequence: functionally_normal. Not counted in ClinVar's aggregate classification.
ClinVar note: "not provided" was previously submitted as the classification for the variant. However, the classification appeared to be based only on an observation of functional data so it was converted to no classification on 2025-07-30.

Literature cited by the submitters: PubMed 30209399 (cited by Labcorp Genetics (formerly Invitae), Labcorp).